The following is an entry in ClinVar:

ClinVar aggregate classification (germline): Uncertain significance (1 of 4 stars; one submission).

Allele frequency attached by ClinVar (database versions not stated): TOPMed 0.00002; ExAC 0.00006; 1000 Genomes Project 30x 0.00016; 1000 Genomes Project 0.00020.
gnomAD v4.1: 35 of 1,614,184 alleles (0.0022%); highest among the groups gnomAD compares: East Asian, 0.049%; no homozygotes.

Submission:

Labcorp Genetics (formerly Invitae), Labcorp
Classification: Uncertain significance. Last evaluated: 2022-07-26. Review status: criteria provided, single submitter. Criteria: Invitae Variant Classification Sherloc (09022015). Collection method: clinical testing. Allele origin: germline.
Comment: This sequence change replaces alanine, which is neutral and non-polar, with threonine, which is neutral and polar, at codon 932 of the ARFGEF2 protein (p.Ala932Thr). This variant is present in population databases (rs199594681, gnomAD 0.07%). In summary, the available evidence is currently insufficient to determine the role of this variant in disease. Therefore, it has been classified as a Variant of Uncertain Significance. Algorithms developed to predict the effect of missense changes on protein structure and function are either unavailable or do not agree on the potential impact of this missense change (SIFT: "Deleterious"; PolyPhen-2: "Benign"; Align-GVGD: "Class C0"). This variant has not been reported in the literature in individuals affected with ARFGEF2-related conditions.

NM_006420.3(ARFGEF2):c.2794G>A (p.Ala932Thr)

Gene: ARFGEF2 (ARF guanine nucleotide exchange factor 2; plus strand). Cytogenetic location: 20q13.13.
Variant type: single nucleotide variant.
Coding change: c.2794G>A on transcript NM_006420.3 (MANE Select); coding-DNA position 2794, G replaced by A.
Protein change: p.Ala932Thr; replaces alanine 932 with threonine.
Molecular consequence: missense variant.
Genome position (GRCh38, 1-based): chr20:48,989,664, G>A. VCF-style: chr20-48989664-G-A. GRCh37 (hg19) VCF-style: chr20-47606201-G-A.
Other names: c.2791G>A, p.Ala931Thr (NM_001410846.1); short protein forms A931T, A932T.
Identifiers: ClinVar variation 1956152 (VCV001956152.3), dbSNP rs199594681, ClinGen allele CA9898737.